The following is an entry in ClinVar:

NM_006767.4(LZTR1):c.178T>G (p.Cys60Gly)

Gene: LZTR1 (leucine zipper like post translational regulator 1; plus strand). Cytogenetic location: 22q11.21.
Variant type: single nucleotide variant.
Coding change: c.178T>G on transcript NM_006767.4 (MANE Select); coding-DNA position 178, T replaced by G.
Protein change: p.Cys60Gly; replaces cysteine 60 with glycine.
Molecular consequence: missense variant.
Genome position (GRCh38, 1-based): chr22:20,982,549, T>G. VCF-style: chr22-20982549-T-G. GRCh37 (hg19) VCF-style: chr22-21336838-T-G.
Other names: short protein forms C60G.
Identifiers: ClinVar variation 3541555 (VCV003541555.1).

ClinVar aggregate classification (germline): Uncertain significance (1 of 4 stars; one submission).

Conditions:
Hereditary cancer-predisposing syndrome. Also called: Hereditary Cancer Syndrome; Hereditary neoplastic syndrome; Tumor predisposition; Neoplastic Syndromes, Hereditary. Identifiers: Orphanet 140162, MedGen C0027672, MeSH D009386, MONDO:0015356.
Cardiovascular phenotype. Identifiers: MedGen CN230736.

Submission:

Ambry Genetics
Classification: Uncertain significance for Cardiovascular phenotype; Hereditary cancer-predisposing syndrome. Last evaluated: 2024-08-31. Review status: criteria provided, single submitter. Criteria: Ambry Variant Classification Scheme 2023. Collection method: clinical testing. Allele origin: germline.
Comment: The p.C60G variant (also known as c.178T>G), located in coding exon 1 of the LZTR1 gene, results from a T to G substitution at nucleotide position 178. The cysteine at codon 60 is replaced by glycine, an amino acid with highly dissimilar properties. This amino acid position is conserved. In addition, this alteration is predicted to be deleterious by in silico analysis. Based on the available evidence, the clinical significance of this variant remains unclear.